The following is an entry in ClinVar:

ClinVar aggregate classification (germline): Benign (1 of 4 stars; one submission).

gnomAD v4.1: 2,798 of 1,613,394 alleles (0.17%); highest among the groups gnomAD compares: African/African-American, 3.4%; 44 homozygotes.

Submission:

Mayo Clinic Laboratories, Mayo Clinic
Classification: Benign. Last evaluated: 2023-12-14. Review status: criteria provided, single submitter. Criteria: ACMG Guidelines, 2015. Collection method: clinical testing. Allele origin: germline. Observed: 3 variant alleles.
Comment: BS1, BS2, BP4, BP7

NM_018685.5(ANLN):c.*4G>A

Gene: ANLN (anillin, actin binding protein; plus strand). Cytogenetic location: 7p14.2.
Variant type: single nucleotide variant.
Coding change: c.*4G>A on transcript NM_018685.5 (MANE Select); 4 bases downstream of the stop codon, G replaced by A.
Molecular consequence: 3 prime UTR variant.
Genome position (GRCh38, 1-based): chr7:36,452,604, G>A. VCF-style: chr7-36452604-G-A. GRCh37 (hg19) VCF-style: chr7-36492213-G-A.
Other names: c.*4G>A (NM_001284301.3, NM_001284302.3).
Identifiers: ClinVar variation 4683262 (VCV004683262.1).